The following is an entry in ClinVar:

NM_152703.5(SAMD9L):c.3241A>G (p.Asn1081Asp)

Gene: SAMD9L (sterile alpha motif domain containing 9 like; minus strand). Cytogenetic location: 7q21.2.
Variant type: single nucleotide variant.
Coding change: c.3241A>G on transcript NM_152703.5 (MANE Select); coding-DNA position 3241, A replaced by G.
Protein change: p.Asn1081Asp; replaces asparagine 1081 with aspartic acid.
Molecular consequence: missense variant.
Genome position (GRCh38, 1-based): chr7:93,132,731, T>C on the plus strand (A>G on the coding strand, the complement: SAMD9L is on the minus strand). VCF-style: chr7-93132731-T-C. GRCh37 (hg19) VCF-style: chr7-92762044-T-C.
Other names: c.3241A>G (NM_152703.3, NM_152703.2); c.3241A>G, p.Asn1081Asp (NM_001303496.3, NM_001303497.3, NM_001303498.3 and 5 more transcripts); short protein forms N1081D.
Identifiers: ClinVar variation 2779180 (VCV002779180.5), dbSNP rs781585275, ClinGen allele CA4343479.

ClinVar aggregate classification (germline): Uncertain significance. Review status: criteria provided, multiple submitters, no conflicts (2 of 4 stars). 3 submissions from 3 submitters: Uncertain significance (3). Last evaluated 2024-12-16.

Conditions:
Inborn genetic diseases. Identifiers: MedGen C0950123, MeSH D030342.

Allele frequency attached by ClinVar (database versions not stated): TOPMed below 0.00001; ExAC 0.00001; gnomAD 0.00001; gnomAD exomes 0.00001.
gnomAD v4.1: 17 of 1,613,736 alleles (0.0011%); highest among the groups gnomAD compares: Non-Finnish European, 0.0014%; no homozygotes.

Submissions (3):

Ambry Genetics
Classification: Uncertain significance for Inborn genetic diseases. Last evaluated: 2024-12-16. Review status: criteria provided, single submitter. Criteria: Ambry Variant Classification Scheme 2023. Collection method: clinical testing. Allele origin: germline.
Comment: The p.N1081D variant (also known as c.3241A>G), located in coding exon 1 of the SAMD9L gene, results from an A to G substitution at nucleotide position 3241. The asparagine at codon 1081 is replaced by aspartic acid, an amino acid with highly similar properties. This amino acid position is conserved. In addition, this alteration is predicted to be tolerated by in silico analysis. Based on the available evidence, the clinical significance of this variant remains unclear.

GeneDx
Classification: Uncertain significance. Last evaluated: 2024-01-23. Review status: criteria provided, single submitter. Criteria: GeneDx Variant Classification Process June 2021. Collection method: clinical testing. Allele origin: germline. Affected: yes.
Comment: Not observed at significant frequency in large population cohorts (gnomAD); In silico analysis supports that this missense variant does not alter protein structure/function; Has not been previously published as pathogenic or benign to our knowledge; This variant is associated with the following publications: (PMID: 28545555)

Labcorp Genetics (formerly Invitae), Labcorp
Classification: Uncertain significance. Last evaluated: 2023-03-29. Review status: criteria provided, single submitter. Criteria: Invitae Variant Classification Sherloc (09022015). Collection method: clinical testing. Allele origin: germline.
Comment: This sequence change replaces asparagine, which is neutral and polar, with aspartic acid, which is acidic and polar, at codon 1081 of the SAMD9L protein (p.Asn1081Asp). This variant is present in population databases (rs781585275, gnomAD 0.002%). This variant has not been reported in the literature in individuals affected with SAMD9L-related conditions. Advanced modeling of protein sequence and biophysical properties (such as structural, functional, and spatial information, amino acid conservation, physicochemical variation, residue mobility, and thermodynamic stability) performed at Invitae indicates that this missense variant is not expected to disrupt SAMD9L protein function. In summary, the available evidence is currently insufficient to determine the role of this variant in disease. Therefore, it has been classified as a Variant of Uncertain Significance.